The following is an entry in ClinVar:

ClinVar aggregate classification (germline): Uncertain significance (1 of 4 stars; one submission).

Submission:

Labcorp Genetics (formerly Invitae), Labcorp
Classification: Uncertain significance. Last evaluated: 2024-11-05. Review status: criteria provided, single submitter. Criteria: Invitae Variant Classification Sherloc (09022015). Collection method: clinical testing. Allele origin: germline.
Comment: This sequence change replaces proline, which is neutral and non-polar, with serine, which is neutral and polar, at codon 1899 of the KMT2B protein (p.Pro1899Ser). This variant is not present in population databases (gnomAD no frequency). This variant has not been reported in the literature in individuals affected with KMT2B-related conditions. Invitae Evidence Modeling of protein sequence and biophysical properties (such as structural, functional, and spatial information, amino acid conservation, physicochemical variation, residue mobility, and thermodynamic stability) indicates that this missense variant is not expected to disrupt KMT2B protein function with a negative predictive value of 95%. In summary, the available evidence is currently insufficient to determine the role of this variant in disease. Therefore, it has been classified as a Variant of Uncertain Significance.

NM_014727.3(KMT2B):c.5695C>T (p.Pro1899Ser)

Gene: KMT2B (lysine methyltransferase 2B; plus strand). Cytogenetic location: 19q13.12.
Variant type: single nucleotide variant.
Coding change: c.5695C>T on transcript NM_014727.3 (MANE Select); coding-DNA position 5695, C replaced by T.
Protein change: p.Pro1899Ser; replaces proline 1899 with serine.
Molecular consequence: missense variant.
Genome position (GRCh38, 1-based): chr19:35,732,244, C>T. VCF-style: chr19-35732244-C-T. GRCh37 (hg19) VCF-style: chr19-36223145-C-T.
Other names: short protein forms P1899S.
Identifiers: ClinVar variation 3683222 (VCV003683222.2).